The following is an entry in ClinVar:

ClinVar aggregate classification (germline): Uncertain significance (1 of 4 stars; one submission).

Conditions:
Neurodevelopmental disorder with speech impairment and with or without seizures. Also called: Neurodevelopmental disorder with variable intellectual disability and speech impairment, with or without seizures. Identifiers: MedGen C5774252, MONDO:0859313, OMIM 620114.

Submission:

Neuberg Centre For Genomic Medicine, NCGM
Classification: Uncertain significance for Neurodevelopmental disorder with speech impairment and with or without seizures. Last evaluated: 2023-06-22. Review status: criteria provided, single submitter. Criteria: ACMG Guidelines, 2015. Collection method: clinical testing. Allele origin: germline. Inheritance: Autosomal dominant inheritance. Affected: yes.
Comment: The observed missense variant c.5696T>G(p.Val1899Gly) in CACNA1I gene has not been reported previously as a pathogenic variant nor as a benign variant, to our knowledge. The c.5696T>G(p.Val1899Gly) variant is absent in gnomAD Exomes. The amino acid Val at position 1899 is changed to a Gly changing protein sequence and it might alter its composition and physico-chemical properties. Multiple lines of computational evidence (Polyphen-Benign, SIFT-Tolerated and Mutation Taster-polymorphism) predict no damaging effect on protein structure and function for this variant The reference amino acid p.Val1899Gly in CACNA1I is predicted as conserved by GERP++. For these reasons, this variant has been classified as Uncertain Significance.

NM_021096.4(CACNA1I):c.5696T>G (p.Val1899Gly)

Gene: CACNA1I (calcium voltage-gated channel subunit alpha1 I; plus strand). Cytogenetic location: 22q13.1.
Variant type: single nucleotide variant.
Coding change: c.5696T>G on transcript NM_021096.4 (MANE Select); coding-DNA position 5696, T replaced by G.
Protein change: p.Val1899Gly; replaces valine 1899 with glycine.
Molecular consequence: missense variant.
Genome position (GRCh38, 1-based): chr22:39,682,527, T>G. VCF-style: chr22-39682527-T-G. GRCh37 (hg19) VCF-style: chr22-40078532-T-G.
Other names: c.5591T>G, p.Val1864Gly (NM_001003406.2); short protein forms V1864G, V1899G.
Identifiers: ClinVar variation 3377634 (VCV003377634.1).